The following is an entry in ClinVar:

NM_001042424.3(NSD2):c.1169_1170del (p.Val390fs)

Gene: NSD2 (nuclear receptor binding SET domain protein 2; plus strand). Cytogenetic location: 4p16.3.
Variant type: Microsatellite.
Coding change: c.1169_1170del on transcript NM_001042424.3 (MANE Select); coding-DNA positions 1169 to 1170, 2 bases deleted (TG; older notation c.1169_1170delTG).
Protein change: p.Val390fs; shifts the reading frame from valine 390.
Molecular consequence: frameshift variant.
Genome position (GRCh38, 1-based): chr4:1,918,382-1,918,383, TG deleted; deleting any 2 consecutive bases within chr4:1,918,380-1,918,383 gives the same sequence; the c. name uses the placement nearest the transcript's 3' end. VCF-style (leftmost placement, unchanged base first): chr4-1918379-CTG-C. GRCh37 (hg19) VCF-style: chr4-1920106-CTG-C.
Other names: c.1169_1170del, p.Val390fs (NM_007331.2, NM_133330.3, NM_133331.3 and 1 more transcripts); c.1167_1168TG[1], p.Val390Glufs (NM_133334.3); short protein forms V390fs.
Identifiers: ClinVar variation 1680168 (VCV001680168.1), dbSNP rs2108804893, ClinGen allele CA2580616055.

ClinVar aggregate classification (germline): Pathogenic (1 of 4 stars; one submission).

Submission:

Labcorp Genetics (formerly Invitae), Labcorp
Classification: Pathogenic. Last evaluated: 2020-11-13. Review status: criteria provided, single submitter. Criteria: Invitae Variant Classification Sherloc (09022015). Collection method: clinical testing. Allele origin: germline.
Comment: This sequence change creates a premature translational stop signal (p.Val390Glufs*17) in the WHSC1 gene. It is expected to result in an absent or disrupted protein product. Loss-of-function variants in WHSC1 are known to be pathogenic (PMID: 31171569). This variant is not present in population databases (ExAC no frequency). This variant has not been reported in the literature in individuals with WHSC1-related conditions. For these reasons, this variant has been classified as Pathogenic.

Literature cited by the submitters: PubMed 31171569.